The following is an entry in ClinVar:

NM_017617.5(NOTCH1):c.4045G>A (p.Ala1349Thr)

Gene: NOTCH1 (notch receptor 1; minus strand). Cytogenetic location: 9q34.3.
Variant type: single nucleotide variant.
Coding change: c.4045G>A on transcript NM_017617.5 (MANE Select); coding-DNA position 4045, G replaced by A.
Protein change: p.Ala1349Thr; replaces alanine 1349 with threonine.
Molecular consequence: missense variant.
Genome position (GRCh38, 1-based): chr9:136,505,851, C>T on the plus strand (G>A on the coding strand, the complement: NOTCH1 is on the minus strand). VCF-style: chr9-136505851-C-T. GRCh37 (hg19) VCF-style: chr9-139400303-C-T.
Other names: short protein forms A1349T.
Identifiers: ClinVar variation 1521983 (VCV001521983.6), dbSNP rs553328686, ClinGen allele CA201578197.

ClinVar aggregate classification (germline): Uncertain significance (1 of 4 stars; one submission).

Conditions:
Adams-Oliver syndrome 5 (AOS5). Identifiers: Orphanet 974, MedGen C4014970, MONDO:0014459, OMIM 616028.

Allele frequency attached by ClinVar (database versions not stated): gnomAD exomes below 0.00001; 1000 Genomes Project 30x 0.00016; 1000 Genomes Project 0.00020.
gnomAD v4.1: 5 of 1,595,058 alleles (0.00031%); highest among the groups gnomAD compares: South Asian, 0.0022%; no homozygotes.

Submission:

Labcorp Genetics (formerly Invitae), Labcorp
Classification: Uncertain significance for Adams-Oliver syndrome 5. Last evaluated: 2023-12-14. Review status: criteria provided, single submitter. Criteria: Invitae Variant Classification Sherloc (09022015). Collection method: clinical testing. Allele origin: germline.
Comment: This sequence change replaces alanine, which is neutral and non-polar, with threonine, which is neutral and polar, at codon 1349 of the NOTCH1 protein (p.Ala1349Thr). The frequency data for this variant in the population databases is considered unreliable, as metrics indicate poor data quality at this position in the gnomAD database. This variant has not been reported in the literature in individuals affected with NOTCH1-related conditions. ClinVar contains an entry for this variant (Variation ID: 1521983). Advanced modeling of protein sequence and biophysical properties (such as structural, functional, and spatial information, amino acid conservation, physicochemical variation, residue mobility, and thermodynamic stability) performed at Invitae indicates that this missense variant is not expected to disrupt NOTCH1 protein function with a negative predictive value of 95%. In summary, the available evidence is currently insufficient to determine the role of this variant in disease. Therefore, it has been classified as a Variant of Uncertain Significance.